The following is an entry in ClinVar:

NM_001005373.4(LRSAM1):c.1599G>A (p.Leu533=)

Gene: LRSAM1 (leucine rich repeat and sterile alpha motif containing 1; plus strand). Cytogenetic location: 9q33.3.
Variant type: single nucleotide variant.
Coding change: c.1599G>A on transcript NM_001005373.4 (MANE Select); coding-DNA position 1599, G replaced by A.
Protein change: p.Leu533=; no amino-acid change (leucine 533 retained).
Molecular consequence: synonymous variant. On other transcripts: non-coding transcript variant (2).
Genome position (GRCh38, 1-based): chr9:127,492,897, G>A. VCF-style: chr9-127492897-G-A. GRCh37 (hg19) VCF-style: chr9-130255176-G-A.
Other names: c.1599G>A, p.Leu533= (NM_001005374.4, NM_001384142.1, NM_001384143.1 and 1 more transcripts); c.1518G>A, p.Leu506= (NM_001190723.3); c.810G>A, p.Leu270= (NM_001384144.1).
Identifiers: ClinVar variation 1058222 (VCV001058222.7), dbSNP rs1316186546, ClinGen allele CA467233983.
Genomic context (GRCh38, chr9:127,492,897, plus strand): 5'-CCTGCTCCAGCAGCTGCTCAAAGAGAAGCAGCAGCGAGAGGAAGAGCTCCGGGAAATCCT[G>A]GTATGTGTTTGGCTTCTGTGCTCAGCATCACACAGGCATTTGCTTTTCTTTAACAGACTT-3'
Protein context (NP_001005373.1, residues 523-543): QQREEELREI[Leu533=]TELEAKSETR

ClinVar aggregate classification (germline): Uncertain significance (1 of 4 stars; one submission).

Conditions:
Charcot-Marie-Tooth disease axonal type 2P. Also called: Charcot-Marie-Tooth Neuropathy Type 2G; CHARCOT-MARIE-TOOTH NEUROPATHY, TYPE 2P; CHARCOT-MARIE-TOOTH DISEASE, AXONAL, TYPE 2G; CMT 2G. Identifiers: Orphanet 300319, Orphanet 99941, MedGen C3280797, MONDO:0013753, OMIM 614436.

Allele frequency attached by ClinVar (database versions not stated): gnomAD exomes below 0.00001; TOPMed below 0.00001; gnomAD 0.00001.
gnomAD v4.1: 7 of 1,613,724 alleles (0.00043%); highest among the groups gnomAD compares: Non-Finnish European, 0.00051%; no homozygotes.

Submission:

Labcorp Genetics (formerly Invitae), Labcorp
Classification: Uncertain significance for Charcot-Marie-Tooth disease axonal type 2P. Last evaluated: 2020-08-27. Review status: criteria provided, single submitter. Criteria: Invitae Variant Classification Sherloc (09022015). Collection method: clinical testing. Allele origin: germline.
Comment: In summary, the available evidence is currently insufficient to determine the role of this variant in disease. Therefore, it has been classified as a Variant of Uncertain Significance. Nucleotide substitutions within the consensus splice site are a relatively common cause of aberrant splicing (PMID: 17576681, 9536098). Algorithms developed to predict the effect of sequence changes on RNA splicing suggest that this variant may disrupt the consensus splice site, but this prediction has not been confirmed by published transcriptional studies. This variant has not been reported in the literature in individuals with LRSAM1-related conditions. This variant is not present in population databases (ExAC no frequency). This sequence change affects codon 533 of the LRSAM1 mRNA. It is a 'silent' change, meaning that it does not change the encoded amino acid sequence of the LRSAM1 protein. This variant also falls at the last nucleotide of exon 20 of the LRSAM1 coding sequence, which is part of the consensus splice site for this exon.

Literature cited by the submitters: PubMed 17576681; PubMed 9536098.